The following is an entry in ClinVar:

NM_004174.4(SLC9A3):c.707C>T (p.Ala236Val)

Gene: SLC9A3 (solute carrier family 9 member A3). Cytogenetic location: 5p15.33.
Variant type: single nucleotide variant.
Coding change: c.707C>T on transcript NM_004174.4 (MANE Select); coding-DNA position 707, C replaced by T.
Protein change: p.Ala236Val; replaces alanine 236 with valine.
Molecular consequence: missense variant.
Genome position (GRCh38, 1-based): chr5:485,200, G>A on the plus strand (C>T on the coding strand, the complement: SLC9A3 is on the minus strand). VCF-style: chr5-485200-G-A. GRCh37 (hg19) VCF-style: chr5-485315-G-A.
Other names: c.707C>T, p.Ala236Val (NM_001284351.3); short protein forms A236V.
Identifiers: ClinVar variation 1413424 (VCV001413424.3), dbSNP rs768564666, ClinGen allele CA3176233.

ClinVar aggregate classification (germline): Uncertain significance (1 of 4 stars; one submission).

Allele frequency attached by ClinVar (database versions not stated): ExAC 0.00007; gnomAD 0.00007 and 0.00008; gnomAD exomes 0.00007 and 0.00012; TOPMed 0.00009.
gnomAD v4.1: 177 of 1,613,752 alleles (0.011%); highest among the groups gnomAD compares: East Asian, 0.016%; no homozygotes.

Submission:

Labcorp Genetics (formerly Invitae), Labcorp
Classification: Uncertain significance. Last evaluated: 2022-09-19. Review status: criteria provided, single submitter. Criteria: Invitae Variant Classification Sherloc (09022015). Collection method: clinical testing. Allele origin: germline.
Comment: This sequence change replaces alanine with valine at codon 236 of the SLC9A3 protein (p.Ala236Val). The alanine residue is weakly conserved and there is a small physicochemical difference between alanine and valine. This variant is present in population databases (rs768564666, gnomAD 0.03%). This variant has not been reported in the literature in individuals affected with SLC9A3-related conditions. ClinVar contains an entry for this variant (Variation ID: 1413424). Advanced modeling of protein sequence and biophysical properties (such as structural, functional, and spatial information, amino acid conservation, physicochemical variation, residue mobility, and thermodynamic stability) performed at Invitae indicates that this missense variant is not expected to disrupt SLC9A3 protein function. In summary, the available evidence is currently insufficient to determine the role of this variant in disease. Therefore, it has been classified as a Variant of Uncertain Significance.